The following is an entry in ClinVar:

ClinVar aggregate classification (germline): Conflicting classifications of pathogenicity. Review status: criteria provided, conflicting classifications (1 of 4 stars). 7 submissions from 7 submitters: Uncertain significance (4); Likely benign (2). 1 of the submissions does not count toward it. Last evaluated 2026-01-25.

Conditions:
Hyperplastic polyposis syndrome. Identifiers: Orphanet 157798, MedGen C4296896, MONDO:0015524.
Sessile serrated polyposis cancer syndrome (SSPCS). Identifiers: Orphanet 157798, MedGen C4310714, MONDO:0014919, OMIM 617108.

Allele frequency attached by ClinVar (database versions not stated): gnomAD 0.00021; TOPMed 0.00022; gnomAD exomes 0.00025 and 0.00042; ESP Exome Variant Server 0.00031; ExAC 0.00039.
gnomAD v4.1: 610 of 1,527,690 alleles (0.04%); highest among the groups gnomAD compares: Non-Finnish European, 0.049%; no homozygotes.

Submissions (7):

Labcorp Genetics (formerly Invitae), Labcorp
Classification: Uncertain significance. Last evaluated: 2026-01-25. Review status: criteria provided, single submitter. Criteria: Invitae Variant Classification Sherloc (09022015). Collection method: clinical testing. Allele origin: germline.
Comment: This sequence change replaces proline, which is neutral and non-polar, with serine, which is neutral and polar, at codon 372 of the RNF43 protein (p.Pro372Ser). This variant is present in population databases (rs201204271, gnomAD 0.05%), and has an allele count higher than expected for a pathogenic variant. This variant has not been reported in the literature in individuals affected with RNF43-related conditions. ClinVar contains an entry for this variant (Variation ID: 953598). An algorithm developed to predict the effect of missense changes on protein structure and function outputs the following: PolyPhen-2: "Benign". The serine amino acid residue is found in multiple mammalian species, which suggests that this missense change does not adversely affect protein function. In summary, the available evidence is currently insufficient to determine the role of this variant in disease. Therefore, it has been classified as a Variant of Uncertain Significance.

GeneDx
Classification: Uncertain significance. Last evaluated: 2025-08-29. Review status: criteria provided, single submitter. Criteria: GeneDx Variant Classification Process June 2021. Collection method: clinical testing. Allele origin: germline.
Comment: In silico analysis suggests that this missense variant does not alter protein structure/function; Has not been previously published as pathogenic or benign to our knowledge; This variant is associated with the following publications: (PMID: 31046843)

Center for Genomic Medicine, Rigshospitalet, Copenhagen University Hospital
Classification: Uncertain significance. Last evaluated: 2025-03-04. Review status: criteria provided, single submitter. Criteria: ACMG Guidelines, 2015. Collection method: clinical testing. Allele origin: germline.

Ambry Genetics
Classification: Likely benign. Last evaluated: 2024-12-26. Review status: criteria provided, single submitter. Criteria: Ambry Variant Classification Scheme 2023. Collection method: clinical testing. Allele origin: germline.

Department of Pathology and Laboratory Medicine, Sinai Health System
Classification: Likely benign for Hyperplastic polyposis syndrome. Last evaluated: 2024-03-25. Review status: criteria provided, single submitter. Criteria: ACMG Guidelines, 2015. Collection method: clinical testing. Allele origin: germline. Affected: yes.

Institute for Clinical Genetics, University Hospital TU Dresden, University Hospital TU Dresden
Classification: Uncertain significance. Last evaluated: 2021-11-03. Review status: criteria provided, single submitter. Criteria: ACMG Guidelines, 2015. Collection method: clinical testing. Allele origin: germline.

Zotz-Klimas Genetics Lab, MVZ Zotz Klimas
Classification: Uncertain significance for Sessile serrated polyposis cancer syndrome. Last evaluated: 2023-11-02. Review status: no assertion criteria provided. Collection method: clinical testing. Allele origin: germline. Affected: yes. Not counted in ClinVar's aggregate classification.

NM_017763.6(RNF43):c.1114C>T (p.Pro372Ser)

Gene: RNF43 (ring finger protein 43; minus strand). Cytogenetic location: 17q22.
Variant type: single nucleotide variant.
Coding change: c.1114C>T on transcript NM_017763.6 (MANE Select); coding-DNA position 1114, C replaced by T.
Protein change: p.Pro372Ser; replaces proline 372 with serine.
Molecular consequence: missense variant.
Genome position (GRCh38, 1-based): chr17:58,358,662, G>A on the plus strand (C>T on the coding strand, the complement: RNF43 is on the minus strand). VCF-style: chr17-58358662-G-A. GRCh37 (hg19) VCF-style: chr17-56436023-G-A.
Other names: c.1114C>T, p.Pro372Ser (NM_001305544.3); c.733C>T, p.Pro245Ser (NM_001305545.2); short protein forms P245S, P372S.
Identifiers: ClinVar variation 953598 (VCV000953598.20), dbSNP rs201204271, ClinGen allele CA8673231.
Genomic context (GRCh38, chr17:58,358,662, plus strand): 5'-TGGGGAAGCGGTGATGCCGAGGGCCCATGCCTGGCTCCTGGGATGGCAGGAAGGGACCAG[G>A]TCGTGGGGGCCGAGCCACTGCACTCCGGGAAGGGCCCAACAGGTAGGCAGCAGGGAGGTG-3'
Protein context (NP_060233.3, residues 362-382): SRSAVARPPR[Pro372Ser]GPFLPSQEPG